The following is an entry in ClinVar:

NM_020693.4(DSCAML1):c.4885A>T (p.Ser1629Cys)

Gene: DSCAML1 (DS cell adhesion molecule like 1; minus strand). Cytogenetic location: 11q23.3.
Variant type: single nucleotide variant.
Coding change: c.4885A>T on transcript NM_020693.4 (MANE Select); coding-DNA position 4885, A replaced by T.
Protein change: p.Ser1629Cys; replaces serine 1629 with cysteine.
Molecular consequence: missense variant.
Genome position (GRCh38, 1-based): chr11:117,433,463, T>A on the plus strand (A>T on the coding strand, the complement: DSCAML1 is on the minus strand). VCF-style: chr11-117433463-T-A. GRCh37 (hg19) VCF-style: chr11-117304179-T-A.
Other names: short protein forms S1629C.
Identifiers: ClinVar variation 2132836 (VCV002132836.4), dbSNP rs1476246102, ClinGen allele CA382756468.

ClinVar aggregate classification (germline): Uncertain significance (1 of 4 stars; one submission).

Allele frequency attached by ClinVar (database versions not stated): TOPMed below 0.00001; gnomAD exomes 0.00001.
gnomAD v4.1: 8 of 1,613,072 alleles (0.0005%); highest among the groups gnomAD compares: Non-Finnish European, 0.00068%; no homozygotes.

Submission:

Labcorp Genetics (formerly Invitae), Labcorp
Classification: Uncertain significance. Last evaluated: 2022-08-27. Review status: criteria provided, single submitter. Criteria: Invitae Variant Classification Sherloc (09022015). Collection method: clinical testing. Allele origin: germline.
Comment: In summary, the available evidence is currently insufficient to determine the role of this variant in disease. Therefore, it has been classified as a Variant of Uncertain Significance. Algorithms developed to predict the effect of missense changes on protein structure and function are either unavailable or do not agree on the potential impact of this missense change (SIFT: "Deleterious"; PolyPhen-2: "Probably Damaging"; Align-GVGD: "Class C0"). This variant has not been reported in the literature in individuals affected with DSCAML1-related conditions. This variant is present in population databases (no rsID available, gnomAD 0.0009%). This sequence change replaces serine, which is neutral and polar, with cysteine, which is neutral and slightly polar, at codon 1689 of the DSCAML1 protein (p.Ser1689Cys).